The following is an entry in ClinVar:

ClinVar aggregate classification (germline): Uncertain significance (1 of 4 stars; one submission).

Conditions:
Emery-Dreifuss muscular dystrophy 4, autosomal dominant (EDMD4). Also called: EMERY-DREIFUSS MUSCULAR DYSTROPHY 4 WITH VARIABLE FEATURES. Identifiers: Orphanet 261, MedGen C2751807, MONDO:0013071, OMIM 612998.
Autosomal recessive ataxia, Beauce type. Also called: SYNE1 Deficiency; Spinocerebellar ataxia, autosomal recessive 8; ATAXIA, RECESSIVE, OF BEAUCE; SYNE1-Related Autosomal Recessive Cerebellar Ataxia. Identifiers: Orphanet 88644, MedGen C1853116, MONDO:0012549, OMIM 610743.

Submission:

Labcorp Genetics (formerly Invitae), Labcorp
Classification: Uncertain significance for Emery-Dreifuss muscular dystrophy 4, autosomal dominant; Autosomal recessive ataxia, Beauce type. Last evaluated: 2022-02-23. Review status: criteria provided, single submitter. Criteria: Invitae Variant Classification Sherloc (09022015). Collection method: clinical testing. Allele origin: germline.
Comment: This variant is not present in population databases (gnomAD no frequency). This variant has not been reported in the literature in individuals affected with SYNE1-related conditions. Algorithms developed to predict the effect of missense changes on protein structure and function (SIFT, PolyPhen-2, Align-GVGD) all suggest that this variant is likely to be tolerated. In summary, the available evidence is currently insufficient to determine the role of this variant in disease. Therefore, it has been classified as a Variant of Uncertain Significance. This sequence change replaces arginine, which is basic and polar, with lysine, which is basic and polar, at codon 715 of the SYNE1 protein (p.Arg715Lys).

NM_182961.4(SYNE1):c.2123G>A (p.Arg708Lys)

Gene: SYNE1 (spectrin repeat containing nuclear envelope protein 1; minus strand). Cytogenetic location: 6q25.2.
Variant type: single nucleotide variant.
Coding change: c.2123G>A on transcript NM_182961.4 (MANE Select); coding-DNA position 2123, G replaced by A.
Protein change: p.Arg708Lys; replaces arginine 708 with lysine.
Molecular consequence: missense variant.
Genome position (GRCh38, 1-based): chr6:152,462,865, C>T on the plus strand (G>A on the coding strand, the complement: SYNE1 is on the minus strand). VCF-style: chr6-152462865-C-T. GRCh37 (hg19) VCF-style: chr6-152784000-C-T.
Other names: c.2144G>A, p.Arg715Lys (NM_033071.5); short protein forms R715K, R708K.
Identifiers: ClinVar variation 2102590 (VCV002102590.4), dbSNP rs2503329628, ClinGen allele CA366123163.
Genomic context (GRCh38, chr6:152,462,865, plus strand): 5'-TGGGCTTCCGTTGCAAAAGCAGACAGGGTAACAACACAGTCTGTGTATTCCTTCTTCATT[C>T]TGTCCATCTCATCAGCTTGAGCATACTGTTAAGGAAAGGGAGGAGGGAACATCGTGAAAG-3'
Protein context (NP_892006.3, residues 698-718): KQYAQADEMD[Arg708Lys]MKKEYTDCVV